The following is an entry in ClinVar:

NM_033427.3(CTTNBP2):c.3801G>A (p.Trp1267Ter)

Gene: CTTNBP2 (cortactin binding protein 2; minus strand). Cytogenetic location: 7q31.31.
Variant type: single nucleotide variant.
Coding change: c.3801G>A on transcript NM_033427.3 (MANE Select); coding-DNA position 3801, G replaced by A.
Protein change: p.Trp1267Ter; replaces tryptophan 1267 with a stop codon.
Molecular consequence: nonsense.
Genome position (GRCh38, 1-based): chr7:117,734,988, C>T on the plus strand (G>A on the coding strand, the complement: CTTNBP2 is on the minus strand). VCF-style: chr7-117734988-C-T. GRCh37 (hg19) VCF-style: chr7-117375042-C-T.
Other names: c.3747G>A, p.Trp1249Ter (NM_001363349.1); c.1704G>A, p.Trp568Ter (NM_001363350.1, NM_001363351.1); short protein forms W1267*, W1249*, W568*.
Identifiers: ClinVar variation 4997169 (VCV004997169.1).
Genomic context (GRCh38, chr7:117,734,988, plus strand): 5'-CCTTCGTAAGAACCTCTGCAGCAGTCCTTGCATGGGCTCGCCATCCCACCGCAGCTGCAC[C>T]CAGCGGAAATGCTGCTGCACCAGCAAGTCGGAGCCCTGGAGACAGGCCTTGGCGATGGTT-3'

ClinVar aggregate classification (germline): Uncertain significance (1 of 4 stars; one submission).

Conditions:
CTTNBP2-related disorder. Also called: CTTNBP2-related condition.

gnomAD v4.1: 3 of 1,614,032 alleles (0.00019%); highest among the groups gnomAD compares: Admixed American, 0.0017%; no homozygotes.

Submission:

PreventionGenetics, part of Exact Sciences
Classification: Uncertain significance for CTTNBP2-related condition. Last evaluated: 2026-05-28. Review status: criteria provided, single submitter. Criteria: ACMG Guidelines, 2015. Collection method: clinical testing. Allele origin: germline.
Comment: The CTTNBP2 c.3801G>A variant is predicted to result in premature protein termination (p.Trp1267*). To our knowledge, this variant has not been reported in the literature. This variant is reported in 0.12% of alleles in individuals of Latino descent in gnomAD in v2. Loss of function is not an established mechanism of CTTNBP2-related disease. However, in gnomAD v4 (available only on GRCh38), this variant is reported in 0.0017% of alleles in individuals of Latino descent. At this time, the clinical significance of this variant is uncertain due to the absence of conclusive functional and genetic evidence.